The following is an entry in ClinVar:

NM_152468.5(TMC8):c.2143G>T (p.Ala715Ser)

Gene: TMC8 (transmembrane channel like 8; plus strand). Cytogenetic location: 17q25.3.
Variant type: single nucleotide variant.
Coding change: c.2143G>T on transcript NM_152468.5 (MANE Select); coding-DNA position 2143, G replaced by T.
Protein change: p.Ala715Ser; replaces alanine 715 with serine.
Molecular consequence: missense variant.
Genome position (GRCh38, 1-based): chr17:78,141,074, G>T. VCF-style: chr17-78141074-G-T. GRCh37 (hg19) VCF-style: chr17-76137155-G-T.
Other names: short protein forms A715S.
Identifiers: ClinVar variation 1921241 (VCV001921241.5), dbSNP rs1274382468, ClinGen allele CA401254856.

ClinVar aggregate classification (germline): Uncertain significance (1 of 4 stars; one submission).

Conditions:
Epidermodysplasia verruciformis. Identifiers: Orphanet 302, MedGen C0014522, MONDO:0009176.

gnomAD v4.1: 2 of 1,587,942 alleles (0.00013%); highest among the groups gnomAD compares: Non-Finnish European, 0.000085%; no homozygotes.

Submission:

Labcorp Genetics (formerly Invitae), Labcorp
Classification: Uncertain significance for Epidermodysplasia verruciformis. Last evaluated: 2022-03-28. Review status: criteria provided, single submitter. Criteria: Invitae Variant Classification Sherloc (09022015). Collection method: clinical testing. Allele origin: germline.
Comment: This variant is not present in population databases (gnomAD no frequency). This sequence change replaces alanine, which is neutral and non-polar, with serine, which is neutral and polar, at codon 715 of the TMC8 protein (p.Ala715Ser). This variant has not been reported in the literature in individuals affected with TMC8-related conditions. In summary, the available evidence is currently insufficient to determine the role of this variant in disease. Therefore, it has been classified as a Variant of Uncertain Significance. Algorithms developed to predict the effect of missense changes on protein structure and function (SIFT, PolyPhen-2, Align-GVGD) all suggest that this variant is likely to be tolerated.